The following is an entry in ClinVar:

ClinVar aggregate classification (germline): Uncertain significance (1 of 4 stars; one submission).

Submission:

GeneDx
Classification: Uncertain significance. Last evaluated: 2022-07-12. Review status: criteria provided, single submitter. Criteria: GeneDx Variant Classification Process June 2021. Collection method: clinical testing. Allele origin: germline. Affected: yes.
Comment: Not observed at significant frequency in large population cohorts (gnomAD); In silico analysis supports that this missense variant has a deleterious effect on protein structure/function; Has not been previously published as pathogenic or benign to our knowledge

NM_001429.4(EP300):c.4580G>T (p.Arg1527Ile)

Gene: EP300 (E1A binding protein p300; plus strand). Cytogenetic location: 22q13.2.
Variant type: single nucleotide variant.
Coding change: c.4580G>T on transcript NM_001429.4 (MANE Select); coding-DNA position 4580, G replaced by T.
Protein change: p.Arg1527Ile; replaces arginine 1527 with isoleucine.
Molecular consequence: missense variant.
Genome position (GRCh38, 1-based): chr22:41,172,626, G>T. VCF-style: chr22-41172626-G-T. GRCh37 (hg19) VCF-style: chr22-41568630-G-T.
Other names: c.4502G>T, p.Arg1501Ile (NM_001362843.2); short protein forms R1501I, R1527I.
Identifiers: ClinVar variation 1878800 (VCV001878800.1), dbSNP rs2145770415, ClinGen allele CA411703387.